The following is an entry in ClinVar:

NM_001365276.2(TNXB):c.5625G>T (p.Pro1875=)

Gene: TNXB (tenascin XB; minus strand). Cytogenetic location: 6p21.33.
Variant type: single nucleotide variant.
Coding change: c.5625G>T on transcript NM_001365276.2 (MANE Select); coding-DNA position 5625, G replaced by T.
Protein change: p.Pro1875=; no amino-acid change (proline 1875 retained).
Molecular consequence: synonymous variant.
Genome position (GRCh38, 1-based): chr6:32,069,099, C>A on the plus strand (G>T on the coding strand, the complement: TNXB is on the minus strand). VCF-style: chr6-32069099-C-A. GRCh37 (hg19) VCF-style: chr6-32036876-C-A.
Other names: c.5625G>T, p.Pro1875= (NM_019105.8).
Identifiers: ClinVar variation 1748716 (VCV001748716.12), dbSNP rs376314262, ClinGen allele CA3734643.

ClinVar aggregate classification (germline): Conflicting classifications of pathogenicity. Review status: criteria provided, conflicting classifications (1 of 4 stars). 5 submissions from 5 submitters: Uncertain significance (3); Likely benign (1). 1 of the submissions does not count toward it. Last evaluated 2026-08-01.

Conditions:
Cardiovascular phenotype. Identifiers: MedGen CN230736.
TNXB-related disorder. Also called: TNXB-related condition.

gnomAD v4.1: 70 of 1,611,302 alleles (0.0043%); highest among the groups gnomAD compares: Non-Finnish European, 0.0058%; no homozygotes.

Submissions (5):

CeGaT Center for Human Genetics Tuebingen
Classification: Uncertain significance. Last evaluated: 2026-08-01. Review status: criteria provided, single submitter. Criteria: CeGaT Center For Human Genetics Tuebingen Variant Classification Criteria Version 2. Collection method: clinical testing. Allele origin: germline. Affected: yes. Observed: 1 variant allele.
Comment: TNXB: PM2:Supporting

Women's Health and Genetics/Laboratory Corporation of America, LabCorp
Classification: Likely benign. Last evaluated: 2026-05-18. Review status: criteria provided, single submitter. Criteria: LabCorp Variant Classification Summary - May 2015. Collection method: clinical testing. Allele origin: germline.

GeneDx
Classification: Uncertain significance. Last evaluated: 2026-04-13. Review status: criteria provided, single submitter. Criteria: GeneDx Variant Classification Process June 2021. Collection method: clinical testing. Allele origin: germline.
Comment: Has not been previously published as pathogenic or benign to our knowledge; In silico analysis suggests this variant may impact gene splicing. In the absence of RNA/functional studies, the actual effect of this sequence change is unknown.

Ambry Genetics
Classification: Uncertain significance for Cardiovascular phenotype. Last evaluated: 2025-05-29. Review status: criteria provided, single submitter. Criteria: Ambry Variant Classification Scheme 2023. Collection method: clinical testing. Allele origin: germline.
Comment: The c.5625G>T variant (also known as p.P1875P), located in coding exon 15 of the TNXB gene, results from a G to T substitution at nucleotide position 5625. This nucleotide substitution does not change the proline at codon 1875. This nucleotide position is poorly conserved in available vertebrate species. In silico splice site analysis for this alteration is inconclusive. Since supporting evidence is limited at this time, the clinical significance of this alteration remains unclear.

PreventionGenetics, part of Exact Sciences
Classification: Likely benign for TNXB-related condition. Last evaluated: 2019-05-30. Review status: no assertion criteria provided. Collection method: clinical testing. Allele origin: germline. Not counted in ClinVar's aggregate classification.
Comment: This variant is classified as likely benign based on ACMG/AMP sequence variant interpretation guidelines (Richards et al. 2015 PMID: 25741868, with internal and published modifications).